The following is an entry in ClinVar:

ClinVar aggregate classification (germline): Uncertain significance (1 of 4 stars; one submission).

gnomAD v4.1: 7 of 1,614,106 alleles (0.00043%); highest among the groups gnomAD compares: Non-Finnish European, 0.00059%; no homozygotes.

Submission:

Dasa
Classification: Uncertain significance. Last evaluated: 2025-10-10. Review status: criteria provided, single submitter. Criteria: DASA Assertion Criteria. Collection method: clinical testing. Allele origin: germline.
Comment: NM_001378418.1(TCF20):c.1890T>A (p.Asp630Glu) is a missense variant that results in the substitution of aspartic acid with glutamic acid. This variant is rare in population databases. Computational prediction algorithms are consistent with a benign effect. The currently available literature and clinical evidence are not sufficient to establish a definitive association between this variant and the reported condition. Therefore, this variant is classified as a variant of uncertain significance.

NM_001378418.1(TCF20):c.1890T>A (p.Asp630Glu)

Gene: TCF20 (transcription factor 20; minus strand). Cytogenetic location: 22q13.2.
Variant type: single nucleotide variant.
Coding change: c.1890T>A on transcript NM_001378418.1 (MANE Select); coding-DNA position 1890, T replaced by A.
Protein change: p.Asp630Glu; replaces aspartic acid 630 with glutamic acid.
Molecular consequence: missense variant.
Genome position (GRCh38, 1-based): chr22:42,213,416, A>T on the plus strand (T>A on the coding strand, the complement: TCF20 is on the minus strand). VCF-style: chr22-42213416-A-T. GRCh37 (hg19) VCF-style: chr22-42609422-A-T.
Other names: c.1890T>A, p.Asp630Glu (NM_005650.4, NM_181492.3); short protein forms D630E.
Identifiers: ClinVar variation 4883797 (VCV004883797.2).